The following is an entry in ClinVar:

NM_000081.4(LYST):c.3931A>G (p.Met1311Val)

Gene: LYST (lysosomal trafficking regulator; minus strand). Cytogenetic location: 1q42.3.
Variant type: single nucleotide variant.
Coding change: c.3931A>G on transcript NM_000081.4 (MANE Select); coding-DNA position 3931, A replaced by G.
Protein change: p.Met1311Val; replaces methionine 1311 with valine.
Molecular consequence: missense variant.
Genome position (GRCh38, 1-based): chr1:235,800,879, T>C on the plus strand (A>G on the coding strand, the complement: LYST is on the minus strand). VCF-style: chr1-235800879-T-C. GRCh37 (hg19) VCF-style: chr1-235964179-T-C.
Other names: c.3931A>G, p.Met1311Val (NM_001301365.1); short protein forms M1311V.
Identifiers: ClinVar variation 296398 (VCV000296398.23), dbSNP rs376718077, ClinGen allele CA1466973.

ClinVar aggregate classification (germline): Uncertain significance. Review status: criteria provided, multiple submitters, no conflicts (2 of 4 stars). 8 submissions from 8 submitters: Uncertain significance (8). Last evaluated 2025-05-10.

Conditions:
Inborn genetic diseases. Identifiers: MedGen C0950123, MeSH D030342.
Chédiak-Higashi syndrome (CHS). Also called: Chediak-Higashi Syndrome. Identifiers: Orphanet 167, MedGen C0007965, MONDO:0008963, OMIM 214500.

Allele frequency attached by ClinVar (database versions not stated): gnomAD 0.00007 and 0.00009; ESP Exome Variant Server 0.00008; TOPMed 0.00010; ExAC 0.00011; gnomAD exomes 0.00011 and 0.00014.

Submissions (8):

GeneDx
Classification: Uncertain significance. Last evaluated: 2025-05-10. Review status: criteria provided, single submitter. Criteria: GeneDx Variant Classification Process June 2021. Collection method: clinical testing. Allele origin: germline. Affected: yes.
Comment: In silico analysis suggests that this missense variant does not alter protein structure/function; Has not been previously published as pathogenic or benign to our knowledge

Blueprint Genetics
Classification: Uncertain significance. Last evaluated: 2024-11-25. Review status: criteria provided, single submitter. Criteria: ACMG Guidelines, 2015. Collection method: clinical testing. Allele origin: germline.

Women's Health and Genetics/Laboratory Corporation of America, LabCorp
Classification: Uncertain significance. Last evaluated: 2024-05-07. Review status: criteria provided, single submitter. Criteria: LabCorp Variant Classification Summary - May 2015. Collection method: clinical testing. Allele origin: germline.
Comment: Variant summary: LYST c.3931A>G (p.Met1311Val) results in a conservative amino acid change in the encoded protein sequence. Five of five in-silico tools predict a benign effect of the variant on protein function. The variant allele was found at a frequency of 0.00011 in 248948 control chromosomes. This frequency is not significantly higher than estimated for a pathogenic variant in LYST causing Chediak-Higashi Syndrome (0.00011 vs 0.0011), allowing no conclusion about variant significance. To our knowledge, no occurrence of c.3931A>G in individuals affected with Chediak-Higashi Syndrome and no experimental evidence demonstrating its impact on protein function have been reported. ClinVar contains an entry for this variant (Variation ID: 296398). Based on the evidence outlined above, the variant was classified as uncertain significance.

Labcorp Genetics (formerly Invitae), Labcorp
Classification: Uncertain significance for Chédiak-Higashi syndrome. Last evaluated: 2022-08-23. Review status: criteria provided, single submitter. Criteria: Invitae Variant Classification Sherloc (09022015). Collection method: clinical testing. Allele origin: germline.
Comment: This sequence change replaces methionine, which is neutral and non-polar, with valine, which is neutral and non-polar, at codon 1311 of the LYST protein (p.Met1311Val). This variant is present in population databases (rs376718077, gnomAD 0.02%). This variant has not been reported in the literature in individuals affected with LYST-related conditions. ClinVar contains an entry for this variant (Variation ID: 296398). Algorithms developed to predict the effect of missense changes on protein structure and function (SIFT, PolyPhen-2, Align-GVGD) all suggest that this variant is likely to be tolerated. In summary, the available evidence is currently insufficient to determine the role of this variant in disease. Therefore, it has been classified as a Variant of Uncertain Significance.

Mayo Clinic Laboratories, Mayo Clinic
Classification: Uncertain significance. Last evaluated: 2021-12-30. Review status: criteria provided, single submitter. Criteria: ACMG Guidelines, 2015. Collection method: clinical testing. Allele origin: germline.

Ambry Genetics
Classification: Uncertain significance for Inborn genetic diseases. Last evaluated: 2021-10-12. Review status: criteria provided, single submitter. Criteria: Ambry Variant Classification Scheme 2023. Collection method: clinical testing. Allele origin: germline.

Revvity Omics, Revvity
Classification: Uncertain significance for Chédiak-Higashi syndrome. Last evaluated: 2019-10-23. Review status: criteria provided, single submitter. Criteria: ACMG Guidelines, 2015. Collection method: clinical testing. Allele origin: germline.

Illumina Laboratory Services, Illumina
Classification: Uncertain significance for Chédiak-Higashi syndrome. Last evaluated: 2018-01-12. Review status: criteria provided, single submitter. Criteria: ICSL Variant Classification Criteria 13 December 2019. Collection method: clinical testing. Allele origin: germline.